The following is an entry in ClinVar:

ClinVar aggregate classification (germline): Uncertain significance. Review status: criteria provided, multiple submitters, no conflicts (2 of 4 stars). 2 submissions from 2 submitters: Uncertain significance (2). Last evaluated 2025-08-01.

Conditions:
Inborn genetic diseases. Identifiers: MedGen C0950123, MeSH D030342.

Allele frequency attached by ClinVar (database versions not stated): gnomAD 0.00005; TOPMed 0.00025.
gnomAD v4.1: 14 of 1,585,502 alleles (0.00088%); highest among the groups gnomAD compares: Admixed American, 0.014%; no homozygotes.

Submissions (2):

Ambry Genetics
Classification: Uncertain significance for Inborn genetic diseases. Last evaluated: 2025-08-01. Review status: criteria provided, single submitter. Criteria: Ambry Variant Classification Scheme 2023. Collection method: clinical testing. Allele origin: germline.

Labcorp Genetics (formerly Invitae), Labcorp
Classification: Uncertain significance. Last evaluated: 2021-12-02. Review status: criteria provided, single submitter. Criteria: Invitae Variant Classification Sherloc (09022015). Collection method: clinical testing. Allele origin: germline.
Comment: This sequence change replaces glycine, which is neutral and non-polar, with valine, which is neutral and non-polar, at codon 43 of the NDUFS6 protein (p.Gly43Val). The frequency data for this variant in the population databases is considered unreliable, as metrics indicate poor data quality at this position in the gnomAD database. This variant has not been reported in the literature in individuals affected with NDUFS6-related conditions. Algorithms developed to predict the effect of missense changes on protein structure and function (SIFT, PolyPhen-2, Align-GVGD) all suggest that this variant is likely to be disruptive. In summary, the available evidence is currently insufficient to determine the role of this variant in disease. Therefore, it has been classified as a Variant of Uncertain Significance.

NM_004553.6(NDUFS6):c.128G>T (p.Gly43Val)

Gene: NDUFS6 (NADH:ubiquinone oxidoreductase subunit S6; plus strand). Cytogenetic location: 5p15.33.
Variant type: single nucleotide variant.
Coding change: c.128G>T on transcript NM_004553.6 (MANE Select); coding-DNA position 128, G replaced by T.
Protein change: p.Gly43Val; replaces glycine 43 with valine.
Molecular consequence: missense variant.
Genome position (GRCh38, 1-based): chr5:1,801,545, G>T. VCF-style: chr5-1801545-G-T. GRCh37 (hg19) VCF-style: chr5-1801659-G-T.
Other names: short protein forms G43V.
Identifiers: ClinVar variation 2085970 (VCV002085970.3), dbSNP rs961753748, ClinGen allele CA113028273.
Genomic context (GRCh38, chr5:1,801,545, plus strand): 5'-TGGGCGCCAGGTGTTTCGGGGTGCGGGTCTCGCCGACCGGGGAGAAGGTCACGCACACTG[G>T]CCAGGTAACGGCCGCTGGGTACAGGATGCACCTTCCTCCAGCCGCACCTCGGGCGACTGG-3'
Protein context (NP_004544.1, residues 33-53): SPTGEKVTHT[Gly43Val]QVYDDKDYRR